The following is an entry in ClinVar:

NM_004329.3(BMPR1A):c.453T>C (p.Ile151=)

Gene: BMPR1A (bone morphogenetic protein receptor type 1A; plus strand). Cytogenetic location: 10q23.2.
Variant type: single nucleotide variant.
Coding change: c.453T>C on transcript NM_004329.3 (MANE Select); coding-DNA position 453, T replaced by C.
Protein change: p.Ile151=; no amino-acid change (isoleucine 151 retained).
Molecular consequence: synonymous variant. On other transcripts: non-coding transcript variant (3), intron variant (1).
Genome position (GRCh38, 1-based): chr10:86,900,049, T>C. VCF-style: chr10-86900049-T-C. GRCh37 (hg19) VCF-style: chr10-88659806-T-C.
Other names: c.453T>C, p.Ile151= (NM_001406559.1, NM_001406560.1, NM_001406561.1 and 22 more transcripts); c.369T>C, p.Ile123= (NM_001406584.1, NM_001406585.1, NM_001406586.1 and 2 more transcripts); c.333+7820T>C (NM_001406589.1).
Identifiers: ClinVar variation 3378611 (VCV003378611.2).

ClinVar aggregate classification (germline): Benign/Likely benign. Review status: criteria provided, multiple submitters, no conflicts (2 of 4 stars). 2 submissions from 2 submitters: Benign (1); Likely benign (1). Last evaluated 2025-02-27.

Conditions:
Juvenile polyposis syndrome (JPS). Identifiers: Orphanet 2929, MedGen C0345893, MONDO:0017380, OMIM 174900.
Hereditary cancer-predisposing syndrome. Also called: Hereditary Cancer Syndrome; Tumor predisposition; Hereditary neoplastic syndrome; Neoplastic Syndromes, Hereditary. Identifiers: Orphanet 140162, MedGen C0027672, MeSH D009386, MONDO:0015356.

Submissions (2):

Ambry Genetics
Classification: Likely benign for Hereditary cancer-predisposing syndrome. Last evaluated: 2025-02-27. Review status: criteria provided, single submitter. Criteria: Ambry Variant Classification Scheme 2023. Collection method: clinical testing. Allele origin: germline.

Myriad Genetics, Inc.
Classification: Benign for Juvenile polyposis syndrome. Last evaluated: 2024-08-01. Review status: criteria provided, single submitter. Criteria: Myriad Autosomal Dominant, Autosomal Recessive and X-Linked Classification Criteria (2023). Collection method: clinical testing. Allele origin: unknown.
Comment: This variant is considered benign. This variant is a silent/synonymous amino acid change and it is not expected to impact splicing.